The following is an entry in ClinVar:

NC_000009.12:g.70810008C>T

Genes: MIR204 (microRNA 204; minus strand), TRPM3 (transient receptor potential cation channel subfamily M member 3; minus strand). Cytogenetic location: 9q21.12.
Variant type: single nucleotide variant.
Molecular consequence: intron variant (on NM_001366145.2). On other transcripts: non-coding transcript variant (1).
Genome position: GRCh38 VCF-style: chr9-70810008-C-T. GRCh37 (hg19) VCF-style: chr9-73424924-C-T.
Other names: c.979+17839G>A (NM_001366143.2, NM_001366141.2, NM_001366142.2 and 1 more transcripts); c.973+17839G>A (NM_001366150.2, NM_001366151.2, NM_001007471.4 and 4 more transcripts); c.1048+1162G>A (NM_001366148.2, NM_001366152.2, NM_001366147.2); c.514+17839G>A (NM_206944.5, NM_020952.6, NM_206945.5 and 3 more transcripts); c.589+1162G>A (NM_206947.5, NM_206946.5, NM_001007470.3).
Identifiers: ClinVar variation 2788259 (VCV002788259.3), dbSNP rs1404678155, ClinGen allele CA465259879.

ClinVar aggregate classification (germline): Uncertain significance (1 of 4 stars; one submission).

Submission:

Labcorp Genetics (formerly Invitae), Labcorp
Classification: Uncertain significance. Last evaluated: 2023-12-19. Review status: criteria provided, single submitter. Criteria: Invitae Variant Classification Sherloc (09022015). Collection method: clinical testing. Allele origin: germline.
Comment: This variant occurs in the MIR204 gene, which encodes an RNA molecule that does not result in a protein product. The frequency data for this variant in the population databases is considered unreliable, as metrics indicate poor data quality at this position in the gnomAD database. This variant has not been reported in the literature in individuals affected with MIR204-related conditions. Experimental studies and prediction algorithms are not available or were not evaluated, and the functional significance of this variant is currently unknown. In summary, the available evidence is currently insufficient to determine the role of this variant in disease. Therefore, it has been classified as a Variant of Uncertain Significance.